The following is an entry in ClinVar:

ClinVar aggregate classification (germline): Uncertain significance (1 of 4 stars; one submission).

Submission:

Labcorp Genetics (formerly Invitae), Labcorp
Classification: Uncertain significance. Last evaluated: 2021-03-27. Review status: criteria provided, single submitter. Criteria: Invitae Variant Classification Sherloc (09022015). Collection method: clinical testing. Allele origin: germline.
Comment: In summary, the available evidence is currently insufficient to determine the role of this variant in disease. Therefore, it has been classified as a Variant of Uncertain Significance. Algorithms developed to predict the effect of missense changes on protein structure and function are either unavailable or do not agree on the potential impact of this missense change (SIFT: "Deleterious"; PolyPhen-2: "Possibly Damaging"; Align-GVGD: "Class C0"). This sequence change replaces glutamic acid with lysine at codon 497 of the DEF6 protein (p.Glu497Lys). The glutamic acid residue is highly conserved and there is a small physicochemical difference between glutamic acid and lysine. This variant is not present in population databases (ExAC no frequency). This variant has not been reported in the literature in individuals with DEF6-related conditions.

NM_022047.4(DEF6):c.1489G>A (p.Glu497Lys)

Gene: DEF6 (DEF6 guanine nucleotide exchange factor; plus strand). Cytogenetic location: 6p21.31.
Variant type: single nucleotide variant.
Coding change: c.1489G>A on transcript NM_022047.4 (MANE Select); coding-DNA position 1489, G replaced by A.
Protein change: p.Glu497Lys; replaces glutamic acid 497 with lysine.
Molecular consequence: missense variant.
Genome position (GRCh38, 1-based): chr6:35,319,925, G>A. VCF-style: chr6-35319925-G-A. GRCh37 (hg19) VCF-style: chr6-35287702-G-A.
Other names: short protein forms E497K.
Identifiers: ClinVar variation 1439207 (VCV001439207.8), dbSNP rs2150389324, ClinGen allele CA363768336.